The following is an entry in ClinVar:

NM_000203.5(IDUA):c.1049A>T (p.Asn350Ile)

Gene: IDUA (alpha-L-iduronidase; plus strand). Cytogenetic location: 4p16.3.
Variant type: single nucleotide variant.
Coding change: c.1049A>T on transcript NM_000203.5 (MANE Select); coding-DNA position 1049, A replaced by T.
Protein change: p.Asn350Ile; replaces asparagine 350 with isoleucine.
Molecular consequence: missense variant. On other transcripts: non-coding transcript variant (1).
Genome position (GRCh38, 1-based): chr4:1,002,345, A>T. VCF-style: chr4-1002345-A-T. GRCh37 (hg19) VCF-style: chr4-996133-A-T.
Other names: NM_001363576.1:c.653A>T; c.653A>T, p.Asn218Ile (NM_001363576.1); short protein forms N218I, N350I.
Identifiers: ClinVar variation 4871856 (VCV004871856.1).

ClinVar aggregate classification (germline): Uncertain significance (3 of 4 stars; one submission).

Conditions:
Mucopolysaccharidosis type 1. Also called: IDUA deficiency; MPS I; Mucopolysaccharidosis Type I. Identifiers: Orphanet 579, MedGen C0023786, MONDO:0001586.

Submission:

ClinGen Lysosomal Storage Disorder Variant Curation Expert Panel
Classification: Uncertain significance for Mucopolysaccharidosis type 1. Last evaluated: 2026-06-01. Review status: reviewed by expert panel. Criteria: ClinGen LSD ACMG Specifications IDUA V1.2.0. Collection method: curation. Allele origin: germline. Inheritance: Autosomal recessive inheritance.
Comment: The NM_000203.5:c.1049A>T variant in IDUA is a missense variant predicted to cause substitution of Asparagine by Isoleucine at amino acid 350 (p.Asn350Ile). This variant is absent in gnomAD v4.1.0 (PM2_Supporting). The computational predictor REVEL gives a score of 0.801 which is above the threshold of 0.773, evidence that correlates with impact to IDUA function at the moderate level based on the specifications of the ClinGen Lysosomal Diseases VCEP (PMID: 36413997) (PP3_Moderate). Expression of the variant in CHO-K1 cells resulted in 0.1% normal WT IDUA activity indicating that this variant may impact protein function (PMID:12559846) (PS3_Supporting). In summary, this variant meets the criteria to be classified as variant of uncertain significance for MPS I based on the IDUA-specific ACMG/AMP criteria applied, as specified by the ClinGen Lysosomal Diseases Variant Curation Expert Panel (Specifications Version 1.2.0): PP3, PS3_Supporting, PM2_Supporting. (Classification approved by the ClinGen Lysosomal Diseases Variant Curation Expert Panel, June 1, 2026)